The following is an entry in ClinVar:

NM_004646.4(NPHS1):c.1422del (p.Ser475fs)

Gene: NPHS1 (NPHS1 adhesion molecule, nephrin; minus strand). Cytogenetic location: 19q13.12.
Variant type: Deletion.
Coding change: c.1422del on transcript NM_004646.4 (MANE Select); coding-DNA position 1422, one base deleted (C; older notation c.1422delC).
Protein change: p.Ser475fs; shifts the reading frame from serine 475.
Molecular consequence: frameshift variant.
Genome position (GRCh38, 1-based): chr19:35,848,059, G deleted on the plus strand (C on the coding strand, the reverse complement: NPHS1 is on the minus strand); the first of 3 consecutive G bases (chr19:35,848,059-35,848,061); deleting any one gives the same sequence. VCF-style (leftmost placement, unchanged base first): chr19-35848058-AG-A. GRCh37 (hg19) VCF-style: chr19-36338960-AG-A.
Other names: short protein forms S475fs.
Identifiers: ClinVar variation 2832113 (VCV002832113.3), dbSNP rs2513776383, ClinGen allele CA2739276688.
Genomic context (GRCh38, chr19:35,848,058, plus strand): 5'-CCCACATTCCTGGCCACCCCCATAGCCCTGGCGTGGCACCAACCTTGTACCACATGAGGG[AG>A]GGCTCTGGGTTGCCCCCGATAGCCAAACACACCAGCCTCACCCGGGTCCCAGCCCGGAGC-3'

ClinVar aggregate classification (germline): Pathogenic (1 of 4 stars; one submission).

Submission:

Labcorp Genetics (formerly Invitae), Labcorp
Classification: Pathogenic. Last evaluated: 2023-01-26. Review status: criteria provided, single submitter. Criteria: Invitae Variant Classification Sherloc (09022015). Collection method: clinical testing. Allele origin: germline.
Comment: For these reasons, this variant has been classified as Pathogenic. This variant has not been reported in the literature in individuals affected with NPHS1-related conditions. This variant is not present in population databases (gnomAD no frequency). This sequence change creates a premature translational stop signal (p.Ser475Profs*11) in the NPHS1 gene. It is expected to result in an absent or disrupted protein product. Loss-of-function variants in NPHS1 are known to be pathogenic (PMID: 11317351, 11854170, 12039988).

Literature cited by the submitters: PubMed 11317351; PubMed 11854170; PubMed 12039988.